The following is an entry in ClinVar:

ClinVar aggregate classification (germline): Pathogenic (1 of 4 stars; one submission).

Conditions:
Heterotaxy, visceral, 1, X-linked (HTX1). Also called: Laterality, X-linked; Visceral heterotaxia; DEXTROCARDIA WITH OTHER CARDIAC MALFORMATIONS; SITUS INVERSUS, COMPLEX CARDIAC DEFECTS, AND SPLENIC DEFECTS, X-LINKED. Identifiers: Orphanet 450, MedGen C1844020, MONDO:0010607, OMIM 306955.

Submission:

Labcorp Genetics (formerly Invitae), Labcorp
Classification: Pathogenic for Heterotaxy, visceral, 1, X-linked. Last evaluated: 2021-04-10. Review status: criteria provided, single submitter. Criteria: Invitae Variant Classification Sherloc (09022015). Collection method: clinical testing. Allele origin: germline.
Comment: For these reasons, this variant has been classified as Pathogenic. This variant has not been reported in the literature in individuals with ZIC3-related conditions. This variant is not present in population databases (ExAC no frequency). This sequence change creates a premature translational stop signal (p.Thr271Profs*9) in the ZIC3 gene. It is expected to result in an absent or disrupted protein product. Loss-of-function variants in ZIC3 are known to be pathogenic (PMID: 24123890).

Literature cited by the submitters: PubMed 24123890.

NM_003413.4(ZIC3):c.810del (p.Thr271fs)

Gene: ZIC3 (Zic family zinc finger 3; plus strand). Cytogenetic location: Xq26.3.
Variant type: Deletion.
Coding change: c.810del on transcript NM_003413.4 (MANE Select); coding-DNA position 810, one base deleted (G; older notation c.810delG).
Protein change: p.Thr271fs; shifts the reading frame from threonine 271.
Molecular consequence: frameshift variant.
Genome position (GRCh38, 1-based): chrX:137,567,501, G deleted; the last of 2 consecutive G bases (chrX:137,567,500-137,567,501); deleting either gives the same sequence. VCF-style (leftmost placement, unchanged base first): chrX-137567499-CG-C. GRCh37 (hg19) VCF-style: chrX-136649658-CG-C.
Other names: c.810del, p.Thr271fs (NM_001330661.1); short protein forms T271fs.
Identifiers: ClinVar variation 1416124 (VCV001416124.6), dbSNP rs2124184171, ClinGen allele CA2573159261.